The following is an entry in ClinVar:

NM_024854.5(PYROXD1):c.1168A>G (p.Met390Val)

Gene: PYROXD1 (pyridine nucleotide-disulphide oxidoreductase domain 1; plus strand). Cytogenetic location: 12p12.1.
Variant type: single nucleotide variant.
Coding change: c.1168A>G on transcript NM_024854.5 (MANE Select); coding-DNA position 1168, A replaced by G.
Protein change: p.Met390Val; replaces methionine 390 with valine.
Molecular consequence: missense variant.
Genome position (GRCh38, 1-based): chr12:21,467,532, A>G. VCF-style: chr12-21467532-A-G. GRCh37 (hg19) VCF-style: chr12-21620466-A-G.
Other names: p.Met390Val; c.955A>G, p.Met319Val (NM_001350912.2); c.391A>G, p.Met131Val (NM_001350913.2); short protein forms M131V, M390V, M319V.
Identifiers: ClinVar variation 1414180 (VCV001414180.6), dbSNP rs769474967, ClinGen allele CA6478482.
Genomic context (GRCh38, chr12:21,467,532, plus strand): 5'-TCATTTCAGATGAGGCTGTGGACCCAGGCTAGACAGATGGGATGGTATGCAGCAAAGTGC[A>G]TGGCTGCAGCGAGTTCAGGAGACTCTATTGACATGGATTTCAGCTTTGAACTGTTTGCTC-3'
Protein context (NP_079130.2, residues 380-400): RQMGWYAAKC[Met390Val]AAASSGDSID

ClinVar aggregate classification (germline): Uncertain significance. Review status: criteria provided, multiple submitters, no conflicts (2 of 4 stars). 2 submissions from 2 submitters: Uncertain significance (2). Last evaluated 2025-01-23.

Allele frequency attached by ClinVar (database versions not stated): ExAC 0.00006; TOPMed 0.00005.
gnomAD v4.1: 52 of 1,609,984 alleles (0.0032%); highest among the groups gnomAD compares: East Asian, 0.056%; no homozygotes.

Submissions (2):

Mayo Clinic Laboratories, Mayo Clinic
Classification: Uncertain significance. Last evaluated: 2025-01-23. Review status: criteria provided, single submitter. Criteria: ACMG Guidelines, 2015. Collection method: clinical testing. Allele origin: germline. Observed: 1 variant allele.

Labcorp Genetics (formerly Invitae), Labcorp
Classification: Uncertain significance. Last evaluated: 2022-04-06. Review status: criteria provided, single submitter. Criteria: Invitae Variant Classification Sherloc (09022015). Collection method: clinical testing. Allele origin: germline.
Comment: This sequence change replaces methionine, which is neutral and non-polar, with valine, which is neutral and non-polar, at codon 390 of the PYROXD1 protein (p.Met390Val). This variant is present in population databases (rs769474967, gnomAD 0.07%). This variant has not been reported in the literature in individuals affected with PYROXD1-related conditions. Algorithms developed to predict the effect of missense changes on protein structure and function are either unavailable or do not agree on the potential impact of this missense change (SIFT: "Deleterious"; PolyPhen-2: "Possibly Damaging"; Align-GVGD: "Class C0"). In summary, the available evidence is currently insufficient to determine the role of this variant in disease. Therefore, it has been classified as a Variant of Uncertain Significance.